The following is an entry in ClinVar:

ClinVar aggregate classification (germline): Uncertain significance. Review status: criteria provided, multiple submitters, no conflicts (2 of 4 stars). 2 submissions from 2 submitters: Uncertain significance (2). Last evaluated 2024-04-24.

Conditions:
Hereditary diffuse gastric adenocarcinoma (HDGC). Also called: DIFFUSE GASTRIC AND LOBULAR BREAST CANCER SYNDROME. Identifiers: Orphanet 26106, MedGen C1708349, MONDO:0007648, OMIM 137215.
Hereditary cancer-predisposing syndrome. Also called: Hereditary Cancer Syndrome; Neoplastic Syndromes, Hereditary; Hereditary neoplastic syndrome; Tumor predisposition. Identifiers: Orphanet 140162, MedGen C0027672, MeSH D009386, MONDO:0015356.

Submissions (2):

Ambry Genetics
Classification: Uncertain significance for Hereditary cancer-predisposing syndrome. Last evaluated: 2024-04-24. Review status: criteria provided, single submitter. Criteria: Ambry Variant Classification Scheme 2023. Collection method: clinical testing. Allele origin: germline.
Comment: The p.Q16R variant (also known as c.47A>G), located in coding exon 1 of the CDH1 gene, results from an A to G substitution at nucleotide position 47. The glutamine at codon 16 is replaced by arginine, an amino acid with highly similar properties. This amino acid position is well conserved in available vertebrate species. In addition, this alteration is predicted to be tolerated by in silico analysis. Based on the available evidence, the clinical significance of this variant remains unclear.

Labcorp Genetics (formerly Invitae), Labcorp
Classification: Uncertain significance for Hereditary diffuse gastric adenocarcinoma. Last evaluated: 2024-04-05. Review status: criteria provided, single submitter. Criteria: Invitae Variant Classification Sherloc (09022015). Collection method: clinical testing. Allele origin: germline.
Comment: This sequence change replaces glutamine, which is neutral and polar, with arginine, which is basic and polar, at codon 16 of the CDH1 protein (p.Gln16Arg). This variant is not present in population databases (gnomAD no frequency). This variant has not been reported in the literature in individuals affected with CDH1-related conditions. ClinVar contains an entry for this variant (Variation ID: 2128748). Algorithms developed to predict the effect of missense changes on protein structure and function output the following: SIFT: "Not Available"; PolyPhen-2: "Benign"; Align-GVGD: "Not Available". The arginine amino acid residue is found in multiple mammalian species, which suggests that this missense change does not adversely affect protein function. RNA analysis performed to evaluate the impact of this missense change on mRNA splicing indicates it does not significantly alter splicing (Invitae). In summary, the available evidence is currently insufficient to determine the role of this variant in disease. Therefore, it has been classified as a Variant of Uncertain Significance.

NM_004360.5(CDH1):c.47A>G (p.Gln16Arg)

Gene: CDH1 (cadherin 1; plus strand). Cytogenetic location: 16q22.1.
Variant type: single nucleotide variant.
Coding change: c.47A>G on transcript NM_004360.5 (MANE Select); coding-DNA position 47, A replaced by G.
Protein change: p.Gln16Arg; replaces glutamine 16 with arginine.
Molecular consequence: missense variant. On other transcripts: 5 prime UTR variant (2).
Genome position (GRCh38, 1-based): chr16:68,737,462, A>G. VCF-style: chr16-68737462-A-G. GRCh37 (hg19) VCF-style: chr16-68771365-A-G.
Other names: c.47A>G, p.Gln16Arg (NM_001317184.2); c.-1569A>G (NM_001317185.2); c.-1773A>G (NM_001317186.2); short protein forms Q16R.
Identifiers: ClinVar variation 2128748 (VCV002128748.5), dbSNP rs775705607, ClinGen allele CA396451423.